The following is an entry in ClinVar:

NM_153006.3(NAGS):c.1216G>A (p.Asp406Asn)

Gene: NAGS (N-acetylglutamate synthase; plus strand). Cytogenetic location: 17q21.31.
Variant type: single nucleotide variant.
Coding change: c.1216G>A on transcript NM_153006.3 (MANE Select); coding-DNA position 1216, G replaced by A.
Protein change: p.Asp406Asn; replaces aspartic acid 406 with asparagine.
Molecular consequence: missense variant.
Genome position (GRCh38, 1-based): chr17:44,007,442, G>A. VCF-style: chr17-44007442-G-A. GRCh37 (hg19) VCF-style: chr17-42084810-G-A.
Other names: short protein forms D406N.
Identifiers: ClinVar variation 784582 (VCV000784582.18), dbSNP rs140481641, ClinGen allele CA8595342.

ClinVar aggregate classification (germline): Conflicting classifications of pathogenicity. Review status: criteria provided, conflicting classifications (1 of 4 stars). 5 submissions from 5 submitters: Uncertain significance (2); Benign (1); Likely benign (1). 1 of the submissions does not count toward it. Last evaluated 2026-01-24.

Conditions:
NAGS-related disorder. Also called: NAGS-related condition.
Hyperammonemia, type III (NAGSD). Also called: Hyperammonemia due to N-acetylglutamate synthase deficiency. Identifiers: Orphanet 927, MedGen C0268543, MONDO:0009377, OMIM 237310.

Allele frequency attached by ClinVar (database versions not stated): 1000 Genomes Project 0.00040; 1000 Genomes Project 30x 0.00047; ESP Exome Variant Server 0.00054; gnomAD exomes 0.00078 and 0.00141; TOPMed 0.00088; gnomAD 0.00112 and 0.00135; ExAC 0.00116.
gnomAD v4.1: 1,325 of 1,613,886 alleles (0.082%); highest among the groups gnomAD compares: Admixed American, 0.16%; 3 homozygotes.

Submissions (5):

Labcorp Genetics (formerly Invitae), Labcorp
Classification: Benign for Hyperammonemia, type III. Last evaluated: 2026-01-24. Review status: criteria provided, single submitter. Criteria: Invitae Variant Classification Sherloc (09022015). Collection method: clinical testing. Allele origin: germline.

PreventionGenetics, part of Exact Sciences
Classification: Likely benign for NAGS-related condition. Last evaluated: 2025-03-14. Review status: criteria provided, single submitter. Criteria: ACMG Guidelines, 2015. Collection method: clinical testing. Allele origin: germline.
Comment: This variant is classified as likely benign based on ACMG/AMP sequence variant interpretation guidelines (Richards et al. 2015 PMID: 25741868, with internal and published modifications).

GeneDx
Classification: Uncertain significance. Last evaluated: 2023-12-30. Review status: criteria provided, single submitter. Criteria: GeneDx Variant Classification Process June 2021. Collection method: clinical testing. Allele origin: germline. Affected: yes.
Comment: In silico analysis supports that this missense variant does not alter protein structure/function; Has not been previously published as pathogenic or benign to our knowledge

Illumina Laboratory Services, Illumina
Classification: Uncertain significance for Hyperammonemia, type III. Last evaluated: 2018-01-13. Review status: criteria provided, single submitter. Criteria: ICSL Variant Classification Criteria 13 December 2019. Collection method: clinical testing. Allele origin: germline.

Natera, Inc.
Classification: Likely benign for Hyperammonemia type III. Last evaluated: 2020-01-05. Review status: no assertion criteria provided. Collection method: clinical testing. Allele origin: germline. Not counted in ClinVar's aggregate classification.